The following is an entry in ClinVar:

ClinVar aggregate classification (germline): Likely benign. Review status: criteria provided, multiple submitters, no conflicts (2 of 4 stars). 4 submissions from 4 submitters: Likely benign (4). Last evaluated 2024-07-03.

Allele frequency attached by ClinVar (database versions not stated): gnomAD exomes 0.00003 and 0.00009; ExAC 0.00014; 1000 Genomes Project 30x 0.00016; 1000 Genomes Project 0.00020; TOPMed 0.00029; gnomAD 0.00032 and 0.00035; ESP Exome Variant Server 0.00054.
gnomAD v4.1: 96 of 1,614,188 alleles (0.0059%); highest among the groups gnomAD compares: African/African-American, 0.11%; no homozygotes.

Submissions (4):

Labcorp Genetics (formerly Invitae), Labcorp
Classification: Likely benign. Last evaluated: 2024-07-03. Review status: criteria provided, single submitter. Criteria: Invitae Variant Classification Sherloc (09022015). Collection method: clinical testing. Allele origin: germline.

Blueprint Genetics
Classification: Likely benign. Last evaluated: 2022-04-01. Review status: criteria provided, single submitter. Criteria: ACMG Guidelines, 2015. Collection method: clinical testing. Allele origin: germline.

Laboratory for Molecular Medicine, Mass General Brigham Personalized Medicine
Classification: Likely benign. Last evaluated: 2016-05-28. Review status: criteria provided, single submitter. Criteria: LMM Criteria. Collection method: clinical testing. Allele origin: germline. Observed: 1 variant allele.
Comment: p.Val262Val in exon 10 of COCH: This variant is not expected to have clinical si gnificance because it does not alter an amino acid residue, is not located withi n the splice consensus sequence, and has been identified in 0.1% (15/10398) of A frican chromosomes by the Exome Aggregation Consortium (ExAC; dbSNP rs375612298).

Breakthrough Genomics
Classification: Likely benign. Review status: criteria provided, single submitter. Criteria: ACMG Guidelines, 2015. Collection method: not provided. Allele origin: germline. Inheritance: Autosomal recessive inheritance. Affected: yes.

NM_004086.3(COCH):c.786A>G (p.Val262=)

Genes: COCH (cochlin; plus strand), COCH-AS1 (COCH antisense RNA 1; minus strand). Cytogenetic location: 14q12.
Variant type: single nucleotide variant.
Coding change: c.786A>G on transcript NM_004086.3 (MANE Select); coding-DNA position 786, A replaced by G.
Protein change: p.Val262=; no amino-acid change (valine 262 retained).
Molecular consequence: synonymous variant. On other transcripts: non-coding transcript variant (1).
Genome position (GRCh38, 1-based): chr14:30,885,446, A>G. VCF-style: chr14-30885446-A-G. GRCh37 (hg19) VCF-style: chr14-31354652-A-G.
Other names: c.786A>G, p.Val262= (NM_001135058.2); c.981A>G, p.Val327= (NM_001347720.2).
Identifiers: ClinVar variation 504561 (VCV000504561.9), dbSNP rs375612298, ClinGen allele CA7143194.